The following is an entry in ClinVar:

NM_000540.3(RYR1):c.1712C>T (p.Pro571Leu)

Gene: RYR1 (ryanodine receptor 1; plus strand). Cytogenetic location: 19q13.2.
Variant type: single nucleotide variant.
Coding change: c.1712C>T on transcript NM_000540.3 (MANE Select); coding-DNA position 1712, C replaced by T.
Protein change: p.Pro571Leu; replaces proline 571 with leucine.
Molecular consequence: missense variant.
Genome position (GRCh38, 1-based): chr19:38,455,672, C>T. VCF-style: chr19-38455672-C-T. GRCh37 (hg19) VCF-style: chr19-38946312-C-T.
Other names: c.1712C>T, p.Pro571Leu (NM_001042723.2); short protein forms P571L.
Identifiers: ClinVar variation 4533558 (VCV004533558.6).
Genomic context (GRCh38, chr19:38,455,672, plus strand): 5'-TCATTCTGGGCACCCTGGCAGGCATCCTGGAGGTCCTGTACTGTGTCCTCATTGAGAGTC[C>T]AGAGGTTCTGAACATCATCCAGGAGAATCACATCAAGTCCATCATCTCCCTCCTGGACAA-3'
Protein context (NP_000531.2, residues 561-581): EVLYCVLIES[Pro571Leu]EVLNIIQENH

ClinVar aggregate classification (germline): Likely pathogenic (1 of 4 stars; one submission).

Submission:

CeGaT Center for Human Genetics Tuebingen
Classification: Likely pathogenic. Last evaluated: 2025-11-01. Review status: criteria provided, single submitter. Criteria: CeGaT Center For Human Genetics Tuebingen Variant Classification Criteria Version 2. Collection method: clinical testing. Allele origin: germline. Affected: yes. Observed: 1 variant allele.
Comment: RYR1: PM2, PM6, PM1:Supporting, PP3